The following is an entry in ClinVar:

ClinVar aggregate classification (germline): Likely pathogenic (1 of 4 stars; one submission).

Conditions:
Dilated cardiomyopathy 1G (CMD1G). Identifiers: Orphanet 154, MedGen C1858763, MONDO:0011400, OMIM 604145.
Autosomal recessive limb-girdle muscular dystrophy type 2J (LGMDR10). Also called: MUSCULAR DYSTROPHY, LIMB-GIRDLE, AUTOSOMAL RECESSIVE 10; Limb-girdle muscular dystrophy, type 2J. Identifiers: Orphanet 140922, MedGen C1837342, MONDO:0012127, OMIM 608807.

Submission:

Labcorp Genetics (formerly Invitae), Labcorp
Classification: Likely pathogenic for Dilated cardiomyopathy 1G; Autosomal recessive limb-girdle muscular dystrophy type 2J. Last evaluated: 2022-06-15. Review status: criteria provided, single submitter. Criteria: Invitae Variant Classification Sherloc (09022015). Collection method: clinical testing. Allele origin: germline.
Comment: This variant is located in the A band of TTN (PMID: 25589632). Truncating variants in this region are significantly overrepresented in patients affected with dilated cardiomyopathy (PMID: 25589632). Truncating variants in this region have also been reported in individuals affected with autosomal recessive centronuclear myopathy (PMID: 23975875). In summary, the currently available evidence indicates that the variant is pathogenic, but additional data are needed to prove that conclusively. Therefore, this variant has been classified as Likely Pathogenic. This variant has not been reported in the literature in individuals affected with TTN-related conditions. This variant is not present in population databases (gnomAD no frequency). This sequence change creates a premature translational stop signal (p.Arg17819Ilefs*2) in the TTN gene. While this is not anticipated to result in nonsense mediated decay, it is expected to create a truncated TTN protein.

Literature cited by the submitters: PubMed 25589632; PubMed 23975875.

NM_001267550.2(TTN):c.53456_53457del (p.Arg17819fs)

Genes: TTN (titin; minus strand), TTN-AS1 (TTN antisense RNA 1; plus strand). Cytogenetic location: 2q31.2.
Variant type: Microsatellite.
Coding change: c.53456_53457del on transcript NM_001267550.2 (MANE Select); coding-DNA positions 53456 to 53457, 2 bases deleted (GA; older notation c.53456_53457delGA).
Protein change: p.Arg17819fs; shifts the reading frame from arginine 17819.
Molecular consequence: frameshift variant.
Genome position (GRCh38, 1-based): chr2:178,607,145-178,607,146, TC deleted on the plus strand (GA on the coding strand, the reverse complement: TTN is on the minus strand); deleting any 2 consecutive bases within chr2:178,607,145-178,607,150 gives the same sequence; the c. name uses the placement nearest the transcript's 3' end. VCF-style (leftmost placement, unchanged base first): chr2-178607144-ATC-A. GRCh37 (hg19) VCF-style: chr2-179471871-ATC-A.
Other names: c.48533_48534del, p.Arg16178fs (NM_001256850.1); c.26261_26262del, p.Arg8754fs (NM_003319.4); c.45752_45753del, p.Arg15251fs (NM_133378.4); c.26636_26637del, p.Arg8879fs (NM_133432.3); c.26837_26838del, p.Arg8946fs (NM_133437.4); short protein forms R8946fs, R8754fs, R15251fs, R16178fs, R17819fs, R8879fs.
Identifiers: ClinVar variation 2006919 (VCV002006919.4), dbSNP rs2470276333, ClinGen allele CA2580614525.